The following is an entry in ClinVar:

NC_000014.8:g.(?_105836158)_(105861009_?)dup

Gene: PACS2 (phosphofurin acidic cluster sorting protein 2; plus strand). Cytogenetic location: 14q32.33.
Variant type: Duplication.
Identifiers: ClinVar variation 1525368 (VCV001525368.4).

ClinVar aggregate classification (germline): Uncertain significance (1 of 4 stars; one submission).

Submission:

Labcorp Genetics (formerly Invitae), Labcorp
Classification: Uncertain significance. Last evaluated: 2023-08-16. Review status: criteria provided, single submitter. Criteria: Invitae Variant Classification Sherloc (09022015). Collection method: clinical testing. Allele origin: germline.
Comment: This variant results in a copy number gain of the genomic region encompassing exon(s) 8-25 of the PACS2 gene. This region includes the termination codon of the gene. This copy number gain extends beyond the assayed region for this gene and therefore may encompass additional genes. As the precise location of this event is unknown, it may be in tandem or it may be located elsewhere in the genome. This variant has not been reported in the literature in individuals affected with PACS2-related conditions. Experimental studies and prediction algorithms are not available or were not evaluated, and the functional significance of this variant is currently unknown. In summary, the available evidence is currently insufficient to determine the role of this variant in disease. Therefore, it has been classified as a Variant of Uncertain Significance.